The following is an entry in ClinVar:

ClinVar aggregate classification (germline): Pathogenic/Likely pathogenic. Review status: criteria provided, multiple submitters, no conflicts (2 of 4 stars). 21 submissions from 21 submitters: Pathogenic (15); Likely pathogenic (4). 2 of the submissions do not count toward it. Last evaluated 2026-03-25.

Conditions:
BEST1-related dominant retinopathy. Identifiers: MedGen CN375913, MONDO:0700238.
BEST1-related disorder. Also called: BEST1-related condition; BEST1-related disorders. Identifiers: MedGen CN239200.
Autosomal recessive bestrophinopathy. Also called: Autosomal Recessive Bestrophinopathy (ARB). Identifiers: Orphanet 139455, MedGen C3888198, MONDO:0012733, OMIM 611809.
Vitelliform macular dystrophy 2. Also called: Best vitelliform macular dystrophy, multifocal; MACULAR DEGENERATION, POLYMORPHIC VITELLINE; VITELLIFORM MACULAR DYSTROPHY, EARLY-ONSET; VITELLIFORM MACULAR DYSTROPHY, JUVENILE-ONSET; Best Macular Dystrophy; Best Vitelliform Macular Dystrophy (BVMD). Identifiers: Orphanet 1243, MedGen C2745945, MONDO:0007931, OMIM 153700.
Autosomal dominant vitreoretinochoroidopathy. Also called: VITREORETINOCHOROIDOPATHY WITH MICROCORNEA, GLAUCOMA, AND CATARACT; VITREORETINOCHOROIDOPATHY, AUTOSOMAL DOMINANT, WITH NANOPHTHALMOS; Autosomal Dominant Vitreoretinochoroidopathy (ADVIRC). Identifiers: Orphanet 263347, Orphanet 3086, MedGen C3888099, MONDO:0008662, OMIM 193220.
Retinitis pigmentosa 50 (RP50). Also called: Retinitis pigmentosa, concentric. Identifiers: Orphanet 791, MedGen C2750789, MONDO:0013175, OMIM 613194.
Retinal dystrophy. Also called: Inherited retinal dystrophy. Identifiers: Orphanet 71862, MedGen C0854723, MeSH D058499, MONDO:0019118, HP:0000556.
Incidental Discovery. Identifiers: MedGen C1135954.

Allele frequency attached by ClinVar (database versions not stated): gnomAD 0.00018 and 0.00016; ExAC 0.00025; TOPMed 0.00014; gnomAD exomes 0.00026; 1000 Genomes Project 0.00040; 1000 Genomes Project 30x 0.00047.
gnomAD v4.1: 254 of 1,614,092 alleles (0.016%); highest among the groups gnomAD compares: East Asian, 0.22%; 2 homozygotes.

Submissions 1 to 14 of 25:

PreventionGenetics, part of Exact Sciences
Classification: Pathogenic for BEST1-related condition. Last evaluated: 2026-03-25. Review status: criteria provided, single submitter. Criteria: ACMG Guidelines, 2015. Collection method: clinical testing. Allele origin: germline.
Comment: The BEST1 c.584C>T variant is predicted to result in the amino acid substitution p.Ala195Val. This variant has been reported, along with a second possible causative variant, in multiple individuals with autosomal recessive BEST1-related retinal disease (see for examples: Borman et al. 2011. PubMed ID: 21825197; Lee et al. 2015 et al. PubMed ID: 26720466; Table S1, Lin et al. 2024. PubMed ID: 38219857). Heterozygous individuals have been reported to be both affected (Supplementary table 1, Glöckle et al. 2013. PubMed ID: 23591405; Liu et al. 2020. PubMed ID: 33090715) and unaffected (Borman et al. 2011. PubMed ID: 21825197). Functional studies have demonstrated that this variant does not impact protein localization (Johnson et al. 2014. PubMed ID: 24560797), but does reduce channel conductance (Davidson et al. 2011. PubMed ID: 21330666). This variant is present in 0.24% of alleles in individuals of East Asian descent in gnomAD, including two homozygotes in the latest dataset, which is consistent with this variant only being causative of autosomal recessive disease. This variant is interpreted as pathogenic for autosomal recessive disease and uncertain for autosomal dominant disease.

Medical and Scientific Branch, Hong Kong Genome Institute
Classification: Pathogenic for BEST1-related dominant retinopathy. Last evaluated: 2026-01-26. Review status: criteria provided, single submitter. Criteria: ACMG Guidelines, 2015. Collection method: clinical testing. Allele origin: unknown. Affected: yes.

Labcorp Genetics (formerly Invitae), Labcorp
Classification: Pathogenic. Last evaluated: 2025-12-19. Review status: criteria provided, single submitter. Criteria: Invitae Variant Classification Sherloc (09022015). Collection method: clinical testing. Allele origin: germline.
Comment: This sequence change replaces alanine, which is neutral and non-polar, with valine, which is neutral and non-polar, at codon 195 of the BEST1 protein (p.Ala195Val). This variant is present in population databases (rs200277476, gnomAD 0.2%), including at least one homozygous and/or hemizygous individual. This missense change has been observed in individual(s) with autosomal recessive retinopathy or bestrophinopathy (PMID: 18985398, 20927214, 21273940, 21809908, 21825197, 25489231, 26201355, 28687848, 29555955). In at least one individual the data is consistent with being in trans (on the opposite chromosome) from a pathogenic variant. It has also been observed to segregate with disease in related individuals. ClinVar contains an entry for this variant (Variation ID: 99725). Invitae Evidence Modeling of protein sequence and biophysical properties (such as structural, functional, and spatial information, amino acid conservation, physicochemical variation, residue mobility, and thermodynamic stability) indicates that this missense variant is expected to disrupt BEST1 protein function with a positive predictive value of 95%. Experimental studies have shown that this missense change affects BEST1 function (PMID: 2133066, 24560797, 26720466, 29668979). For these reasons, this variant has been classified as Pathogenic.

Clinical Genetics Laboratory, Skane University Hospital Lund
Classification: Pathogenic for Incidental Discovery. Last evaluated: 2025-11-07. Review status: criteria provided, single submitter. Criteria: ACMG Guidelines, 2015. Collection method: clinical testing. Allele origin: germline.
Comment: Found in a heterozygous state as a secondary finding. ACMG-criteria applied: PS3, PM3_very strong, PP1, PP3

3billion
Classification: Pathogenic for Autosomal recessive bestrophinopathy. Last evaluated: 2024-12-13. Review status: criteria provided, single submitter. Criteria: ACMG Guidelines, 2015. Collection method: clinical testing. Allele origin: germline. Affected: yes.
Comment: The variant is observed at an extremely low frequency in the gnomAD v4.1.0 dataset (total allele frequency: 0.016%). Predicted Consequence/Location: Missense variant Functional studies provide strong evidence of the variant having a damaging effect on the gene or gene product (PMID: 29668979). In silico tool predictions suggest damaging effect of the variant on gene or gene product [REVEL: 0.94 (>=0.6, sensitivity 0.68 and specificity 0.92); 3Cnet: 0.99 (>=0.6, sensitivity 0.72 and precision 0.9)]. The same nucleotide change resulting in the same amino acid change has been previously reported as pathogenic/likely pathogenic with strong evidence (ClinVar ID: VCV000099725 /PMID: 10798642 /3billion dataset). Therefore, this variant is classified as Pathogenic according to the recommendation of ACMG/AMP guideline.

Revvity Omics, Revvity
Classification: Pathogenic. Last evaluated: 2024-10-24. Review status: criteria provided, single submitter. Criteria: ACMG Guidelines, 2015. Collection method: clinical testing. Allele origin: germline.

Blueprint Genetics
Classification: Pathogenic for BEST1-related disorders. Last evaluated: 2024-06-13. Review status: criteria provided, single submitter. Criteria: ACMG Guidelines, 2015. Collection method: clinical testing. Allele origin: germline. Affected: yes. Observed: 5 variant alleles.

Dept Of Ophthalmology, Nagoya University
Classification: Pathogenic for Retinal dystrophy. Last evaluated: 2023-10-01. Review status: criteria provided, single submitter. Criteria: Submitter's publication. Collection method: research. Allele origin: germline. Affected: yes.

Institute of Medical Genetics and Applied Genomics, University Hospital Tübingen
Classification: Likely pathogenic for Vitelliform macular dystrophy 2. Last evaluated: 2023-08-17. Review status: criteria provided, single submitter. Criteria: ACMG Guidelines, 2015. Collection method: clinical testing. Allele origin: germline. Inheritance: Autosomal dominant inheritance. Affected: yes.

Mendelics
Classification: Pathogenic for Vitelliform macular dystrophy 2. Last evaluated: 2022-05-04. Review status: criteria provided, single submitter. Criteria: Mendelics Assertion Criteria 2019. Collection method: clinical testing. Allele origin: germline.

Fulgent Genetics
Classification: Pathogenic for Vitelliform macular dystrophy 2; Autosomal dominant vitreoretinochoroidopathy; Autosomal recessive bestrophinopathy; Retinitis pigmentosa 50. Last evaluated: 2022-03-03. Review status: criteria provided, single submitter. Criteria: ACMG Guidelines, 2015. Collection method: clinical testing. Allele origin: unknown.

GeneDx
Classification: Pathogenic. Last evaluated: 2022-01-31. Review status: criteria provided, single submitter. Criteria: GeneDx Variant Classification Process June 2021. Collection method: clinical testing. Allele origin: germline. Affected: yes.
Comment: Published functional studies demonstrate a damaging effect on chloride channel function (Davidson et al., 2011; Lee et al., 2015); Observed in the heterozygous state in both sporadic and familial cases with clinical features of a BEST1-related bestrophinopathy, however familial segregation information was not included and it is unknown whether these individuals were screened for variants in other genes associated with the phenotype (Lotery et al., 2000; Boon et al., 2007; Kramer et al., 2003); In silico analysis supports that this missense variant has a deleterious effect on protein structure/function; This variant is associated with the following publications: (PMID: 18985398, 28687848, 32141364, 24560797, 21330666, 26720466, 17698758, 14517959, 23591405, 21809908, 21825197, 29555955, 29668979, 30498755, 30593719, 28559085, 21273940, 31766397, 31519547, 32100970, 33302512, 34373720, 33090715, 33691693, 10798642)

Institute of Medical Molecular Genetics, University of Zurich
Classification: Likely pathogenic for Autosomal recessive bestrophinopathy. Last evaluated: 2021-01-30. Review status: criteria provided, single submitter. Criteria: ACMG Guidelines, 2015. Collection method: clinical testing. Allele origin: unknown. Affected: yes.

Institute of Human Genetics, Univ. Regensburg, Univ. Regensburg
Classification: Pathogenic for Retinal dystrophy. Last evaluated: 2021-01-01. Review status: criteria provided, single submitter. Criteria: ACMG Guidelines, 2015. Collection method: clinical testing. Allele origin: germline. Affected: yes.

NM_004183.4(BEST1):c.584C>T (p.Ala195Val)

Genes: BEST1 (bestrophin 1; plus strand), FTH1 (ferritin heavy chain 1; minus strand). Cytogenetic location: 11q12.3.
Variant type: single nucleotide variant.
Coding change: c.584C>T on transcript NM_004183.4 (MANE Select); coding-DNA position 584, C replaced by T.
Protein change: p.Ala195Val; replaces alanine 195 with valine.
Molecular consequence: missense variant. On other transcripts: non-coding transcript variant (1).
Genome position (GRCh38, 1-based): chr11:61,956,946, C>T. VCF-style: chr11-61956946-C-T. GRCh37 (hg19) VCF-style: chr11-61724418-C-T.
Other names: NM_001139443.1(BEST1):c.404C>T(p.Ala135Val); NM_001300786.1(BEST1):c.404C>T(p.Ala135Val); NM_001300787.1(BEST1):c.404C>T(p.Ala135Val); NM_004183.3(BEST1):c.584C>T(p.Ala195Val); c.404C>T, p.Ala135Val (NM_001139443.3, NM_001300786.2, NM_001300787.2); c.266C>T, p.Ala89Val (NM_001363591.3); c.584C>T, p.Ala195Val (NM_001363592.2); c.-592C>T (NM_001363593.3); short protein forms A195V, A135V, A89V.
Identifiers: ClinVar variation 99725 (VCV000099725.73), dbSNP rs200277476, ClinGen allele CA227785.